The following is an entry in ClinVar:

NM_000038.6(APC):c.4415T>A (p.Val1472Glu)

Gene: APC (APC regulator of Wnt signaling pathway; plus strand). Cytogenetic location: 5q22.2.
Variant type: single nucleotide variant.
Coding change: c.4415T>A on transcript NM_000038.6 (MANE Select); coding-DNA position 4415, T replaced by A.
Protein change: p.Val1472Glu; replaces valine 1472 with glutamic acid.
Molecular consequence: missense variant. On other transcripts: non-coding transcript variant (2).
Genome position (GRCh38, 1-based): chr5:112,840,009, T>A. VCF-style: chr5-112840009-T-A. GRCh37 (hg19) VCF-style: chr5-112175706-T-A.
Other names: c.4415T>A, p.Val1472Glu (NM_001127510.3, NM_001354895.2, NM_001407450.1); c.4361T>A, p.Val1454Glu (NM_001127511.3); c.4469T>A, p.Val1490Glu (NM_001354896.2, NM_001407447.1, NM_001407448.1 and 1 more transcripts); c.4445T>A, p.Val1482Glu (NM_001354897.2); c.4340T>A, p.Val1447Glu (NM_001354898.2); c.4331T>A, p.Val1444Glu (NM_001354899.2); c.4292T>A, p.Val1431Glu (NM_001354900.2); c.4238T>A, p.Val1413Glu (NM_001354901.2, NM_001407453.1); and 11 more; short protein forms V1088E, V1312E, V1346E, V1413E, V1482E, V1500E, V1343E, V1371E.
Identifiers: ClinVar variation 3929061 (VCV003929061.1).
Genomic context (GRCh38, chr5:112,840,009, plus strand): 5'-TACCTAAAAATAAAGCACCTACTGCTGAAAAGAGAGAGAGTGGACCTAAGCAAGCTGCAG[T>A]AAATGCTGCAGTTCAGAGGGTCCAGGTTCTTCCAGATGCTGATACTTTATTACATTTTGC-3'
Protein context (NP_000029.2, residues 1462-1482): KRESGPKQAA[Val1472Glu]NAAVQRVQVL

ClinVar aggregate classification (germline): Uncertain significance (1 of 4 stars; one submission).

Conditions:
Hereditary cancer-predisposing syndrome. Also called: Hereditary Cancer Syndrome; Hereditary neoplastic syndrome; Neoplastic Syndromes, Hereditary; Tumor predisposition. Identifiers: Orphanet 140162, MedGen C0027672, MeSH D009386, MONDO:0015356.

Submission:

Ambry Genetics
Classification: Uncertain significance for Hereditary cancer-predisposing syndrome. Last evaluated: 2025-04-30. Review status: criteria provided, single submitter. Criteria: Ambry Variant Classification Scheme 2023. Collection method: clinical testing. Allele origin: germline.
Comment: The p.V1472E variant (also known as c.4415T>A), located in coding exon 15 of the APC gene, results from a T to A substitution at nucleotide position 4415. The valine at codon 1472 is replaced by glutamic acid, an amino acid with dissimilar properties. This amino acid position is conserved. In addition, in silico predictors for this gene do not accurately predict pathogenicity. Based on the available evidence, the clinical significance of this variant remains unclear.